The following is an entry in ClinVar:

ClinVar aggregate classification (germline): Pathogenic (1 of 4 stars; one submission).

Allele frequency attached by ClinVar (database versions not stated): TOPMed below 0.00001; gnomAD 0.00001.

Submission:

Labcorp Genetics (formerly Invitae), Labcorp
Classification: Pathogenic. Last evaluated: 2022-09-06. Review status: criteria provided, single submitter. Criteria: Invitae Variant Classification Sherloc (09022015). Collection method: clinical testing. Allele origin: germline.
Comment: For these reasons, this variant has been classified as Pathogenic. This variant has not been reported in the literature in individuals affected with MAK-related conditions. This variant is not present in population databases (gnomAD no frequency). This sequence change creates a premature translational stop signal (p.Ile105Asnfs*14) in the MAK gene. It is expected to result in an absent or disrupted protein product. Loss-of-function variants in MAK are known to be pathogenic (PMID: 21148103, 21825139, 24938718, 29781741).

Literature cited by the submitters: PubMed 21148103; PubMed 21825139; PubMed 24938718; PubMed 29781741.

NM_001242957.3(MAK):c.313dup (p.Ile105fs)

Gene: MAK (male germ cell associated kinase; minus strand). Cytogenetic location: 6p24.2.
Variant type: Duplication.
Coding change: c.313dup on transcript NM_001242957.3 (MANE Select); coding-DNA position 313, one base duplicated (A; older notation c.313dupA).
Protein change: p.Ile105fs; shifts the reading frame from isoleucine 105.
Molecular consequence: frameshift variant. On other transcripts: non-coding transcript variant (2).
Genome position (GRCh38, 1-based): chr6:10,813,689, T duplicated on the plus strand (A on the coding strand, the reverse complement: MAK is on the minus strand). VCF-style (leftmost placement, unchanged base first): chr6-10813688-A-AT. GRCh37 (hg19) VCF-style: chr6-10813921-A-AT.
Other names: c.313dup, p.Ile105fs (NM_001242385.2, NM_005906.6); c.211dup, p.Ile71fs (NM_001377262.1); short protein forms I71fs, I105fs.
Identifiers: ClinVar variation 1948431 (VCV001948431.5), dbSNP rs1390518337, ClinGen allele CA816926037.
Genomic context (GRCh38, chr6:10,813,688, plus strand): 5'-CTTAAAAGAAACCTACCATGTTTATGGATAAAAGCCAGCCCTTGCAATATTTGATACATA[A>AT]TATTTCTGATGACTGATTCAGGGAACAACTTGTTTCTGTAAAGAAATGAACAGTCACATA-3'